The following is an entry in ClinVar:

ClinVar aggregate classification (germline): Uncertain significance. Review status: criteria provided, multiple submitters, no conflicts (2 of 4 stars). 2 submissions from 2 submitters: Uncertain significance (2). Last evaluated 2025-06-27.

Allele frequency attached by ClinVar (database versions not stated): ExAC 0.00001; gnomAD 0.00001; TOPMed 0.00002; gnomAD exomes 0.00004.
gnomAD v4.1: 57 of 1,613,648 alleles (0.0035%); highest among the groups gnomAD compares: Non-Finnish European, 0.0045%; no homozygotes.

Submissions (2):

Women's Health and Genetics/Laboratory Corporation of America, LabCorp
Classification: Uncertain significance. Last evaluated: 2025-06-27. Review status: criteria provided, single submitter. Criteria: LabCorp Variant Classification Summary - May 2015. Collection method: clinical testing. Allele origin: germline.
Comment: Variant summary: GHR c.1609G>A (p.Glu537Lys) results in a conservative amino acid change in the encoded protein sequence. Algorithms developed to predict the effect of missense changes on protein structure and function are either unavailable or do not agree on the potential impact of this missense change. The variant allele was found at a frequency of 4e-06 in 251190 control chromosomes. The available data on variant occurrences in the general population are insufficient to allow any conclusion about variant significance. To our knowledge, no occurrence of c.1609G>A in individuals affected with Growth Hormone Insensitivity and no experimental evidence demonstrating its impact on protein function have been reported. ClinVar contains an entry for this variant (Variation ID: 2085294). Based on the evidence outlined above, the variant was classified as uncertain significance.

Labcorp Genetics (formerly Invitae), Labcorp
Classification: Uncertain significance. Last evaluated: 2024-10-09. Review status: criteria provided, single submitter. Criteria: Invitae Variant Classification Sherloc (09022015). Collection method: clinical testing. Allele origin: germline.
Comment: This sequence change replaces glutamic acid, which is acidic and polar, with lysine, which is basic and polar, at codon 537 of the GHR protein (p.Glu537Lys). This variant is present in population databases (rs749475250, gnomAD 0.0009%). This variant has not been reported in the literature in individuals affected with GHR-related conditions. ClinVar contains an entry for this variant (Variation ID: 2085294). Invitae Evidence Modeling of protein sequence and biophysical properties (such as structural, functional, and spatial information, amino acid conservation, physicochemical variation, residue mobility, and thermodynamic stability) indicates that this missense variant is not expected to disrupt GHR protein function with a negative predictive value of 80%. In summary, the available evidence is currently insufficient to determine the role of this variant in disease. Therefore, it has been classified as a Variant of Uncertain Significance.

NM_000163.5(GHR):c.1609G>A (p.Glu537Lys)

Gene: GHR (growth hormone receptor; plus strand). Cytogenetic location: 5p12.
Variant type: single nucleotide variant.
Coding change: c.1609G>A on transcript NM_000163.5 (MANE Select); coding-DNA position 1609, G replaced by A.
Protein change: p.Glu537Lys; replaces glutamic acid 537 with lysine.
Molecular consequence: missense variant. On other transcripts: 3 prime UTR variant (1).
Genome position (GRCh38, 1-based): chr5:42,719,116, G>A. VCF-style: chr5-42719116-G-A. GRCh37 (hg19) VCF-style: chr5-42719218-G-A.
Other names: c.1630G>A, p.Glu544Lys (NM_001242399.2); c.1609G>A, p.Glu537Lys (NM_001242400.2, NM_001242401.4, NM_001242402.2 and 4 more transcripts); c.1543G>A, p.Glu515Lys (NM_001242460.2); c.*651G>A (NM_001242462.1); short protein forms E515K, E537K, E544K.
Identifiers: ClinVar variation 2085294 (VCV002085294.4), dbSNP rs749475250, ClinGen allele CA3254673.
Genomic context (GRCh38, chr5:42,719,116, plus strand): 5'-CACCCGGAAATGGTCTCACTCTGCCAAGAAAACTTCCTTATGGACAATGCCTACTTCTGT[G>A]AGGCAGATGCCAAAAAGTGCATCCCTGTGGCTCCTCACATCAAGGTTGAATCACACATAC-3'
Protein context (NP_000154.1, residues 527-547): NFLMDNAYFC[Glu537Lys]ADAKKCIPVA